The following is an entry in ClinVar:

ClinVar aggregate classification (germline): Pathogenic/Likely pathogenic. Review status: criteria provided, multiple submitters, no conflicts (2 of 4 stars). 2 submissions from 2 submitters: Pathogenic (1); Likely pathogenic (1). Last evaluated 2024-03-12.

Conditions:
Frontotemporal dementia and/or amyotrophic lateral sclerosis 8. Identifiers: MedGen C5436881, MONDO:0030872, OMIM 619132.

Submissions (2):

Labcorp Genetics (formerly Invitae), Labcorp
Classification: Pathogenic. Last evaluated: 2024-03-12. Review status: criteria provided, single submitter. Criteria: Invitae Variant Classification Sherloc (09022015). Collection method: clinical testing. Allele origin: germline.
Comment: This sequence change creates a premature translational stop signal (p.Ser371Glnfs*37) in the CYLD gene. It is expected to result in an absent or disrupted protein product. Loss-of-function variants in CYLD are known to be pathogenic (PMID: 19462465). This variant is not present in population databases (gnomAD no frequency). This variant has not been reported in the literature in individuals affected with CYLD-related conditions. For these reasons, this variant has been classified as Pathogenic.

Baylor Genetics
Classification: Likely pathogenic for Frontotemporal dementia and/or amyotrophic lateral sclerosis 8. Last evaluated: 2023-05-03. Review status: criteria provided, single submitter. Criteria: ACMG Guidelines, 2015. Collection method: clinical testing. Allele origin: unknown.

Literature cited by the submitters: PubMed 19462465 (cited by Labcorp Genetics (formerly Invitae), Labcorp).

NM_001378743.1(CYLD):c.1111del (p.Ser371fs)

Gene: CYLD (CYLD lysine 63 deubiquitinase; plus strand). Cytogenetic location: 16q12.1.
Variant type: Deletion.
Coding change: c.1111del on transcript NM_001378743.1 (MANE Select); coding-DNA position 1111, one base deleted (T; older notation c.1111delT).
Protein change: p.Ser371fs; shifts the reading frame from serine 371.
Molecular consequence: frameshift variant. On other transcripts: non-coding transcript variant (1).
Genome position (GRCh38, 1-based): chr16:50,777,914, T deleted. VCF-style (leftmost placement, unchanged base first): chr16-50777913-AT-A. GRCh37 (hg19) VCF-style: chr16-50811824-AT-A.
Other names: c.1102del, p.Ser368fs (NM_001042355.2, NM_001042412.3, NM_001378744.1 and 9 more transcripts); c.436del, p.Ser146fs (NM_001378754.1, NM_001378755.1); c.1111del, p.Ser371fs (NM_015247.3); short protein forms S146fs, S368fs, S371fs.
Identifiers: ClinVar variation 2681079 (VCV002681079.3), dbSNP rs2506514993, ClinGen allele CA2695197644.